The following is an entry in ClinVar:

ClinVar aggregate classification (germline): Uncertain significance. Review status: criteria provided, multiple submitters, no conflicts (2 of 4 stars). 3 submissions from 3 submitters: Uncertain significance (3). Last evaluated 2024-03-04.

Conditions:
Cardiovascular phenotype. Identifiers: MedGen CN230736.
Hereditary cancer-predisposing syndrome. Also called: Hereditary neoplastic syndrome; Neoplastic Syndromes, Hereditary; Hereditary Cancer Syndrome; Tumor predisposition. Identifiers: Orphanet 140162, MedGen C0027672, MeSH D009386, MONDO:0015356.
Neurofibromatosis, type 1 (NF1). Also called: Neurofibromatosis, type I; Peripheral type neurofibromatosis; NEUROFIBROMATOSIS, TYPE I, SOMATIC; VON RECKLINGHAUSEN DISEASE. Identifiers: Orphanet 636, MedGen C0027831, MONDO:0018975, OMIM 162200. Disease mechanism: loss of function.

Submissions (3):

Blueprint Genetics
Classification: Uncertain significance. Last evaluated: 2024-03-04. Review status: criteria provided, single submitter. Criteria: ACMG Guidelines, 2015. Collection method: clinical testing. Allele origin: germline.

Ambry Genetics
Classification: Uncertain significance for Cardiovascular phenotype; Hereditary cancer-predisposing syndrome. Last evaluated: 2021-03-25. Review status: criteria provided, single submitter. Criteria: Ambry Variant Classification Scheme 2023. Collection method: clinical testing. Allele origin: germline.
Comment: The p.T260I variant (also known as c.779C>T), located in coding exon 8 of the NF1 gene, results from a C to T substitution at nucleotide position 779. The threonine at codon 260 is replaced by isoleucine, an amino acid with similar properties. This amino acid position is well conserved in available vertebrate species. In addition, the in silico prediction for this alteration is inconclusive. Since supporting evidence is limited at this time, the clinical significance of this alteration remains unclear.

Labcorp Genetics (formerly Invitae), Labcorp
Classification: Uncertain significance for Neurofibromatosis, type 1. Last evaluated: 2018-01-22. Review status: criteria provided, single submitter. Criteria: Invitae Variant Classification Sherloc (09022015). Collection method: clinical testing. Allele origin: germline.
Comment: This sequence change replaces threonine with isoleucine at codon 260 of the NF1 protein (p.Thr260Ile). The threonine residue is moderately conserved and there is a moderate physicochemical difference between threonine and isoleucine. This variant is not present in population databases (ExAC no frequency). This variant has not been reported in the literature in individuals with NF1-related disease. Algorithms developed to predict the effect of missense changes on protein structure and function do not agree on the potential impact of this missense change (SIFT: "Deleterious"; PolyPhen-2: "Benign"; Align-GVGD: "Class C0"). In summary, the available evidence is currently insufficient to determine the role of this variant in disease. Therefore, it has been classified as a Variant of Uncertain Significance.

NM_001042492.3(NF1):c.779C>T (p.Thr260Ile)

Gene: NF1 (neurofibromin 1; plus strand). Cytogenetic location: 17q11.2.
Variant type: single nucleotide variant.
Coding change: c.779C>T on transcript NM_001042492.3 (MANE Select); coding-DNA position 779, C replaced by T.
Protein change: p.Thr260Ile; replaces threonine 260 with isoleucine.
Molecular consequence: missense variant.
Genome position (GRCh38, 1-based): chr17:31,182,556, C>T. VCF-style: chr17-31182556-C-T. GRCh37 (hg19) VCF-style: chr17-29509574-C-T.
Other names: c.779C>T, p.Thr260Ile (NM_000267.4, NM_001128147.3); short protein forms T260I.
Identifiers: ClinVar variation 576092 (VCV000576092.9), dbSNP rs1567826665, ClinGen allele CA398990808.
Genomic context (GRCh38, chr17:31,182,556, plus strand): 5'-TTTTTCATGCAGAATGTGCAGAAAAGCTATTTGACTTGGTGGATGGTTTTGCTGAAAGCA[C>T]CAAACGTAAAGCAGCAGTTTGGCCACTACAAATCATTCTCCTTATCTTGTGTCCAGAAAT-3'
Protein context (NP_001035957.1, residues 250-270): FDLVDGFAES[Thr260Ile]KRKAAVWPLQ